The following is an entry in ClinVar:

ClinVar aggregate classification (germline): Uncertain significance. Review status: criteria provided, multiple submitters, no conflicts (2 of 4 stars). 2 submissions from 2 submitters: Uncertain significance (2). Last evaluated 2025-04-09.

gnomAD v4.1: 1 of 1,212,275 alleles (0.000082%); highest among the groups gnomAD compares: Non-Finnish European, 0.00011%; no homozygotes.

Submissions (2):

Labcorp Genetics (formerly Invitae), Labcorp
Classification: Uncertain significance. Last evaluated: 2025-04-09. Review status: criteria provided, single submitter. Criteria: Invitae Variant Classification Sherloc (09022015). Collection method: clinical testing. Allele origin: germline.
Comment: This sequence change replaces asparagine, which is neutral and polar, with aspartic acid, which is acidic and polar, at codon 159 of the TLR7 protein (p.Asn159Asp). This variant is not present in population databases (gnomAD no frequency). This variant has not been reported in the literature in individuals affected with TLR7-related conditions. ClinVar contains an entry for this variant (Variation ID: 3457095). An algorithm developed to predict the effect of missense changes on protein structure and function (PolyPhen-2) suggests that this variant is likely to be tolerated. In summary, the available evidence is currently insufficient to determine the role of this variant in disease. Therefore, it has been classified as a Variant of Uncertain Significance.

Ambry Genetics
Classification: Uncertain significance. Last evaluated: 2024-10-07. Review status: criteria provided, single submitter. Criteria: Ambry Variant Classification Scheme 2023. Collection method: clinical testing. Allele origin: germline.

NM_016562.4(TLR7):c.475A>G (p.Asn159Asp)

Gene: TLR7 (toll like receptor 7; plus strand). Cytogenetic location: Xp22.2.
Variant type: single nucleotide variant.
Coding change: c.475A>G on transcript NM_016562.4 (MANE Select); coding-DNA position 475, A replaced by G.
Protein change: p.Asn159Asp; replaces asparagine 159 with aspartic acid.
Molecular consequence: missense variant.
Genome position (GRCh38, 1-based): chrX:12,885,983, A>G. VCF-style: chrX-12885983-A-G. GRCh37 (hg19) VCF-style: chrX-12904102-A-G.
Other names: short protein forms N159D.
Identifiers: ClinVar variation 3457095 (VCV003457095.2).